The following is an entry in ClinVar:

ClinVar aggregate classification (germline): Pathogenic (1 of 4 stars; one submission).

Submission:

Labcorp Genetics (formerly Invitae), Labcorp
Classification: Pathogenic. Last evaluated: 2019-07-29. Review status: criteria provided, single submitter. Criteria: Invitae Variant Classification Sherloc (09022015). Collection method: clinical testing. Allele origin: germline.
Comment: For these reasons, this variant has been classified as Pathogenic. Donor and acceptor splice site variants typically lead to a loss of protein function (PMID: 16199547), and loss-of-function variants in LPIN1 are known to be pathogenic (PMID: 18817903, 20583302, 22481384, 26111941). This variant has been observed in individual(s) with rhabdomyolysis (Invitae). In at least one individual the data is consistent with the variant being in trans (on the opposite chromosome) from a pathogenic variant. This variant is not present in population databases (ExAC no frequency). This sequence change affects a donor splice site in intron 15 of the LPIN1 gene. It is expected to disrupt RNA splicing and likely results in an absent or disrupted protein product.

Literature cited by the submitters: PubMed 16199547; PubMed 18817903; PubMed 20583302; PubMed 22481384; PubMed 26111941.

NM_001349206.2(LPIN1):c.2162+1del

Gene: LPIN1 (lipin 1; plus strand). Cytogenetic location: 2p25.1.
Variant type: Deletion.
Coding change: c.2162+1del on transcript NM_001349206.2 (MANE Select); the canonical splice donor site of the intron after coding-DNA position 2162, one base deleted (G; older notation c.2162+1delG).
Molecular consequence: splice donor variant.
Genome position (GRCh38, 1-based): chr2:11,804,572, G deleted; the last of 2 consecutive G bases (chr2:11,804,571-11,804,572); deleting either gives the same sequence. VCF-style (leftmost placement, unchanged base first): chr2-11804570-AG-A. GRCh37 (hg19) VCF-style: chr2-11944696-AG-A.
Other names: c.2309+1del (NM_001261428.3); c.2201+1del (NM_001349208.2); c.2252+1del (NM_001349207.2); c.2072+1del (NM_001261427.3); c.2162+1del (NM_001349204.2, NM_001349205.2); c.2159+1del (NM_001349202.2, NM_001349203.2); c.2132+1del (NM_001349200.2, NM_001349201.2); c.2054+1del (NM_001349199.2, NM_145693.4).
Identifiers: ClinVar variation 945033 (VCV000945033.10), dbSNP rs1678323186, ClinGen allele CA1139656761.